The following is an entry in ClinVar:

ClinVar aggregate classification (germline): Uncertain significance. Review status: criteria provided, multiple submitters, no conflicts (2 of 4 stars). 2 submissions from 2 submitters: Uncertain significance (2). Last evaluated 2025-09-04.

Conditions:
Kabuki syndrome. Also called: Kabuki make-up syndrome; NIIKAWA-KUROKI SYNDROME. Identifiers: Orphanet 2322, MedGen C0796004, MONDO:0016512.
Inborn genetic diseases. Identifiers: MedGen C0950123, MeSH D030342.

gnomAD v4.1: 1 of 1,585,928 alleles (0.000063%); highest among the groups gnomAD compares: Non-Finnish European, 0.000086%; no homozygotes.

Submissions (2):

Ambry Genetics
Classification: Uncertain significance for Inborn genetic diseases. Last evaluated: 2025-09-04. Review status: criteria provided, single submitter. Criteria: Ambry Variant Classification Scheme 2023. Collection method: clinical testing. Allele origin: germline.

Labcorp Genetics (formerly Invitae), Labcorp
Classification: Uncertain significance for Kabuki syndrome. Last evaluated: 2023-12-11. Review status: criteria provided, single submitter. Criteria: Invitae Variant Classification Sherloc (09022015). Collection method: clinical testing. Allele origin: germline.
Comment: This sequence change replaces tyrosine, which is neutral and polar, with serine, which is neutral and polar, at codon 4606 of the KMT2D protein (p.Tyr4606Ser). This variant is not present in population databases (gnomAD no frequency). This variant has not been reported in the literature in individuals affected with KMT2D-related conditions. ClinVar contains an entry for this variant (Variation ID: 2097585). Advanced modeling of protein sequence and biophysical properties (such as structural, functional, and spatial information, amino acid conservation, physicochemical variation, residue mobility, and thermodynamic stability) has been performed at Invitae for this missense variant, however the output from this modeling did not meet the statistical confidence thresholds required to predict the impact of this variant on KMT2D protein function. In summary, the available evidence is currently insufficient to determine the role of this variant in disease. Therefore, it has been classified as a Variant of Uncertain Significance.

NM_003482.4(KMT2D):c.13817A>C (p.Tyr4606Ser)

Gene: KMT2D (lysine methyltransferase 2D; minus strand). Cytogenetic location: 12q13.12.
Variant type: single nucleotide variant.
Coding change: c.13817A>C on transcript NM_003482.4 (MANE Select); coding-DNA position 13817, A replaced by C.
Protein change: p.Tyr4606Ser; replaces tyrosine 4606 with serine.
Molecular consequence: missense variant.
Genome position (GRCh38, 1-based): chr12:49,030,623, T>G on the plus strand (A>C on the coding strand, the complement: KMT2D is on the minus strand). VCF-style: chr12-49030623-T-G. GRCh37 (hg19) VCF-style: chr12-49424406-T-G.
Other names: short protein forms Y4606S.
Identifiers: ClinVar variation 2097585 (VCV002097585.5), dbSNP rs587778481, ClinGen allele CA384701720.